The following is an entry in ClinVar:

NM_014249.4(NR2E3):c.1111T>C (p.Leu371=)

Gene: NR2E3 (nuclear receptor subfamily 2 group E member 3; plus strand). Cytogenetic location: 15q23.
Variant type: single nucleotide variant.
Coding change: c.1111T>C on transcript NM_014249.4 (MANE Select); coding-DNA position 1111, T replaced by C.
Protein change: p.Leu371=; no amino-acid change (leucine 371 retained).
Molecular consequence: synonymous variant.
Genome position (GRCh38, 1-based): chr15:71,817,562, T>C. VCF-style: chr15-71817562-T-C. GRCh37 (hg19) VCF-style: chr15-72109903-T-C.
Other names: c.1111T>C (NM_014249.3).
Identifiers: ClinVar variation 1538200 (VCV001538200.10), dbSNP rs1479874499, ClinGen allele CA618749588.

ClinVar aggregate classification (germline): Likely benign. Review status: criteria provided, multiple submitters, no conflicts (2 of 4 stars). 3 submissions from 3 submitters: Likely benign (3). Last evaluated 2025-12-24.

Conditions:
NR2E3-related disorder. Also called: NR2E3-related condition; NR2E3-related disorders. Identifiers: MedGen CN239387.

Allele frequency attached by ClinVar (database versions not stated): TOPMed 0.00001; gnomAD exomes 0.00002 and below 0.00001; gnomAD 0.00001.
gnomAD v4.1: 5 of 1,593,756 alleles (0.00031%); highest among the groups gnomAD compares: Admixed American, 0.0067%; no homozygotes.

Submissions (3):

Labcorp Genetics (formerly Invitae), Labcorp
Classification: Likely benign. Last evaluated: 2025-12-24. Review status: criteria provided, single submitter. Criteria: Invitae Variant Classification Sherloc (09022015). Collection method: clinical testing. Allele origin: germline.

PreventionGenetics, part of Exact Sciences
Classification: Likely benign for NR2E3-related condition. Last evaluated: 2025-07-31. Review status: criteria provided, single submitter. Criteria: ACMG Guidelines, 2015. Collection method: clinical testing. Allele origin: germline.
Comment: This variant is classified as likely benign based on ACMG/AMP sequence variant interpretation guidelines (Richards et al. 2015 PMID: 25741868, with internal and published modifications).

Blueprint Genetics
Classification: Likely benign. Last evaluated: 2022-02-15. Review status: criteria provided, single submitter. Criteria: ACMG Guidelines, 2015. Collection method: clinical testing. Allele origin: germline.